The following is an entry in ClinVar:

NM_014425.5(INVS):c.2262T>G (p.Asp754Glu)

Gene: INVS (inversin; plus strand). Cytogenetic location: 9q31.1.
Variant type: single nucleotide variant.
Coding change: c.2262T>G on transcript NM_014425.5 (MANE Select); coding-DNA position 2262, T replaced by G.
Protein change: p.Asp754Glu; replaces aspartic acid 754 with glutamic acid.
Molecular consequence: missense variant. On other transcripts: non-coding transcript variant (1).
Genome position (GRCh38, 1-based): chr9:100,292,519, T>G. VCF-style: chr9-100292519-T-G. GRCh37 (hg19) VCF-style: chr9-103054801-T-G.
Other names: c.1974T>G, p.Asp658Glu (NM_001318381.2); c.1284T>G, p.Asp428Glu (NM_001318382.2); short protein forms D428E, D658E, D754E.
Identifiers: ClinVar variation 4986421 (VCV004986421.1).
Genomic context (GRCh38, chr9:100,292,519, plus strand): 5'-GTGTGCAAAGGGGAAAGGCTTCGTGAAGCAGCCCTCCTGTATCAGGGTGGCTGGGCCTGA[T>G]GAGAAAGGAGAGGACTCCAGGCGGGCAGCTGCAAGCCTTCCACCGCACGATAGCCACTGG-3'
Protein context (NP_055240.2, residues 744-764): QPSCIRVAGP[Asp754Glu]EKGEDSRRAA

ClinVar aggregate classification (germline): Uncertain significance (1 of 4 stars; one submission).

Conditions:
INVS-related disorder. Also called: INVS-related condition.

gnomAD v4.1: 1 of 1,613,850 alleles (0.000062%); highest among the groups gnomAD compares: Middle Eastern, 0.016%; no homozygotes.

Submission:

PreventionGenetics, part of Exact Sciences
Classification: Uncertain significance for INVS-related condition. Last evaluated: 2025-09-09. Review status: criteria provided, single submitter. Criteria: ACMG Guidelines, 2015. Collection method: clinical testing. Allele origin: germline.
Comment: The INVS c.2262T>G variant is predicted to result in the amino acid substitution p.Asp754Glu. To our knowledge, this variant has not been reported in the literature or in a large population database (gnomAD), indicating this variant is rare. At this time, the clinical significance of this variant is uncertain due to the absence of conclusive functional and genetic evidence.